The following is an entry in ClinVar:

ClinVar aggregate classification (germline): Uncertain significance (1 of 4 stars; one submission).

Conditions:
Regional enteritis. Also called: Enteritis, Granulomatous. Identifiers: MedGen C0678202, MeSH D003424.
Blau syndrome (BLAUS). Also called: JABS SYNDROME; ARTHROCUTANEOUVEAL GRANULOMATOSIS; GRANULOMATOSIS, FAMILIAL JUVENILE SYSTEMIC; GRANULOMATOSIS, FAMILIAL, BLAU TYPE; GRANULOMATOUS INFLAMMATORY ARTHRITIS, DERMATITIS, AND UVEITIS, FAMILIAL. Identifiers: Orphanet 90340, MedGen C5201146, MONDO:0008523, OMIM 186580.

gnomAD v4.1: 1 of 1,613,270 alleles (0.000062%); no homozygotes.

Submission:

Labcorp Genetics (formerly Invitae), Labcorp
Classification: Uncertain significance for Regional enteritis; Blau syndrome. Last evaluated: 2022-08-23. Review status: criteria provided, single submitter. Criteria: Invitae Variant Classification Sherloc (09022015). Collection method: clinical testing. Allele origin: germline.
Comment: Advanced modeling of protein sequence and biophysical properties (such as structural, functional, and spatial information, amino acid conservation, physicochemical variation, residue mobility, and thermodynamic stability) performed at Invitae indicates that this missense variant is not expected to disrupt NOD2 protein function. ClinVar contains an entry for this variant (Variation ID: 1024337). This variant has not been reported in the literature in individuals affected with NOD2-related conditions. This variant is not present in population databases (gnomAD no frequency). This sequence change replaces leucine, which is neutral and non-polar, with arginine, which is basic and polar, at codon 155 of the NOD2 protein (p.Leu155Arg). In summary, the available evidence is currently insufficient to determine the role of this variant in disease. Therefore, it has been classified as a Variant of Uncertain Significance.

NM_001370466.1(NOD2):c.383T>G (p.Leu128Arg)

Gene: NOD2 (nucleotide binding oligomerization domain containing 2; plus strand). Cytogenetic location: 16q12.1.
Variant type: single nucleotide variant.
Coding change: c.383T>G on transcript NM_001370466.1 (MANE Select); coding-DNA position 383, T replaced by G.
Protein change: p.Leu128Arg; replaces leucine 128 with arginine.
Molecular consequence: missense variant. On other transcripts: non-coding transcript variant (1).
Genome position (GRCh38, 1-based): chr16:50,699,878, T>G. VCF-style: chr16-50699878-T-G. GRCh37 (hg19) VCF-style: chr16-50733789-T-G.
Other names: c.383T>G, p.Leu128Arg (NM_001293557.2); c.464T>G, p.Leu155Arg (NM_022162.3); short protein forms L128R, L155R.
Identifiers: ClinVar variation 1024337 (VCV001024337.47), dbSNP rs148753593, ClinGen allele CA395866790.